The following is an entry in ClinVar:

NM_017433.5(MYO3A):c.585+5G>C

Gene: MYO3A (myosin IIIA; plus strand). Cytogenetic location: 10p12.1.
Variant type: single nucleotide variant.
Coding change: c.585+5G>C on transcript NM_017433.5 (MANE Select); 5 bases into the intron after coding-DNA position 585, G replaced by C.
Molecular consequence: intron variant.
Genome position (GRCh38, 1-based): chr10:26,016,901, G>C. VCF-style: chr10-26016901-G-C. GRCh37 (hg19) VCF-style: chr10-26305830-G-C.
Other names: c.585+5G>C (NM_001368265.1).
Identifiers: ClinVar variation 4722681 (VCV004722681.1).

ClinVar aggregate classification (germline): Uncertain significance (1 of 4 stars; one submission).

Submission:

Labcorp Genetics (formerly Invitae), Labcorp
Classification: Uncertain significance. Last evaluated: 2025-08-26. Review status: criteria provided, single submitter. Criteria: Invitae Variant Classification Sherloc (09022015). Collection method: clinical testing. Allele origin: germline.
Comment: This sequence change falls in intron 7 of the MYO3A gene. It does not directly change the encoded amino acid sequence of the MYO3A protein. It affects a nucleotide within the consensus splice site. This variant is not present in population databases (gnomAD no frequency). This variant has not been reported in the literature in individuals affected with MYO3A-related conditions. Variants that disrupt the consensus splice site are a relatively common cause of aberrant splicing (PMID: 17576681, 9536098). Algorithms developed to predict the effect of sequence changes on RNA splicing suggest that this variant may disrupt the consensus splice site. In summary, the available evidence is currently insufficient to determine the role of this variant in disease. Therefore, it has been classified as a Variant of Uncertain Significance.

Literature cited by the submitters: PubMed 17576681; PubMed 9536098.